The following is an entry in ClinVar:

ClinVar aggregate classification (germline): Uncertain significance (1 of 4 stars; one submission).

Allele frequency attached by ClinVar (database versions not stated): gnomAD 0.00001; TOPMed 0.00001.
gnomAD v4.1: 2 of 1,614,044 alleles (0.00012%); highest among the groups gnomAD compares: African/African-American, 0.0027%; no homozygotes.

Submission:

Ambry Genetics
Classification: Uncertain significance. Last evaluated: 2024-02-22. Review status: criteria provided, single submitter. Criteria: Ambry Variant Classification Scheme 2023. Collection method: clinical testing. Allele origin: germline.
Comment: The p.L515V variant (also known as c.1543C>G), located in coding exon 13 of the NPAT gene, results from a C to G substitution at nucleotide position 1543. The leucine at codon 515 is replaced by valine, an amino acid with highly similar properties. This amino acid position is conserved. In addition, this alteration is predicted to be tolerated by in silico analysis. Based on the available evidence, the clinical significance of this alteration remains unclear.

NM_002519.3(NPAT):c.1543C>G (p.Leu515Val)

Gene: NPAT (nuclear protein, coactivator of histone transcription; minus strand). Cytogenetic location: 11q22.3.
Variant type: single nucleotide variant.
Coding change: c.1543C>G on transcript NM_002519.3 (MANE Select); coding-DNA position 1543, C replaced by G.
Protein change: p.Leu515Val; replaces leucine 515 with valine.
Molecular consequence: missense variant.
Genome position (GRCh38, 1-based): chr11:108,173,441, G>C on the plus strand (C>G on the coding strand, the complement: NPAT is on the minus strand). VCF-style: chr11-108173441-G-C. GRCh37 (hg19) VCF-style: chr11-108044168-G-C.
Other names: c.1543C>G, p.Leu515Val (NM_001321307.1); short protein forms L515V.
Identifiers: ClinVar variation 3222476 (VCV003222476.1), dbSNP rs1396640674, ClinGen allele CA382514908.